The following is an entry in ClinVar:

ClinVar aggregate classification (germline): Likely benign (1 of 4 stars; one submission).

Submission:

CeGaT Center for Human Genetics Tuebingen
Classification: Likely benign. Last evaluated: 2026-08-01. Review status: criteria provided, single submitter. Criteria: CeGaT Center For Human Genetics Tuebingen Variant Classification Criteria Version 2. Collection method: clinical testing. Allele origin: germline. Affected: yes. Observed: 1 variant allele.
Comment: AHNAK2: BP4, BP7

NM_138420.4(AHNAK2):c.2538G>T (p.Ser846=)

Gene: AHNAK2 (AHNAK nucleoprotein 2; minus strand). Cytogenetic location: 14q32.33.
Variant type: single nucleotide variant.
Coding change: c.2538G>T on transcript NM_138420.4 (MANE Select); coding-DNA position 2538, G replaced by T.
Protein change: p.Ser846=; no amino-acid change (serine 846 retained).
Molecular consequence: synonymous variant.
Genome position (GRCh38, 1-based): chr14:104,952,913, C>A on the plus strand (G>T on the coding strand, the complement: AHNAK2 is on the minus strand). VCF-style: chr14-104952913-C-A. GRCh37 (hg19) VCF-style: chr14-105419250-C-A.
Other names: c.2238G>T, p.Ser746= (NM_001350929.2).
Identifiers: ClinVar variation 5038841 (VCV005038841.1).